The following is an entry in ClinVar:

NM_000487.6(ARSA):c.800T>C (p.Ile267Thr)

Gene: ARSA (arylsulfatase A; minus strand). Cytogenetic location: 22q13.33.
Variant type: single nucleotide variant.
Coding change: c.800T>C on transcript NM_000487.6 (MANE Select); coding-DNA position 800, T replaced by C.
Protein change: p.Ile267Thr; replaces isoleucine 267 with threonine.
Molecular consequence: missense variant.
Genome position (GRCh38, 1-based): chr22:50,626,645, A>G on the plus strand (T>C on the coding strand, the complement: ARSA is on the minus strand). VCF-style: chr22-50626645-A-G. GRCh37 (hg19) VCF-style: chr22-51065073-A-G.
Other names: c.800T>C, p.Ile267Thr (NM_001085425.3, NM_001085426.3, NM_001085427.3); c.542T>C, p.Ile181Thr (NM_001085428.3, NM_001362782.2); short protein forms I267T, I181T.
Identifiers: ClinVar variation 2187023 (VCV002187023.3), dbSNP rs1397001071, ClinGen allele CA412176101.

ClinVar aggregate classification (germline): Uncertain significance (1 of 4 stars; one submission).

Conditions:
Metachromatic leukodystrophy (MLD). Also called: ARSA DEFICIENCY; SULFATIDE LIPIDOSIS; Cerebral sclerosis diffuse metachromatic form; CEREBROSIDE SULFATASE DEFICIENCY; Arylsulfatase A Deficiency; METACHROMATIC LEUKOENCEPHALOPATHY. Identifiers: Orphanet 512, MedGen C0023522, MONDO:0018868, OMIM 250100.

Allele frequency attached by ClinVar (database versions not stated): gnomAD exomes below 0.00001; TOPMed below 0.00001; gnomAD 0.00001.
gnomAD v4.1: 3 of 1,613,968 alleles (0.00019%); highest among the groups gnomAD compares: Admixed American, 0.005%; no homozygotes.

Submission:

Labcorp Genetics (formerly Invitae), Labcorp
Classification: Uncertain significance for Metachromatic leukodystrophy. Last evaluated: 2022-09-12. Review status: criteria provided, single submitter. Criteria: Invitae Variant Classification Sherloc (09022015). Collection method: clinical testing. Allele origin: germline.
Comment: This sequence change replaces isoleucine, which is neutral and non-polar, with threonine, which is neutral and polar, at codon 267 of the ARSA protein (p.Ile267Thr). This variant is present in population databases (no rsID available, gnomAD 0.006%). This variant has not been reported in the literature in individuals affected with ARSA-related conditions. Advanced modeling of protein sequence and biophysical properties (such as structural, functional, and spatial information, amino acid conservation, physicochemical variation, residue mobility, and thermodynamic stability) performed at Invitae indicates that this missense variant is expected to disrupt ARSA protein function. In summary, the available evidence is currently insufficient to determine the role of this variant in disease. Therefore, it has been classified as a Variant of Uncertain Significance.